The following is an entry in ClinVar:

NM_006545.5(NPRL2):c.562C>T (p.Gln188Ter)

Gene: NPRL2 (NPR2 like, GATOR1 complex subunit; minus strand). Cytogenetic location: 3p21.31.
Variant type: single nucleotide variant.
Coding change: c.562C>T on transcript NM_006545.5 (MANE Select); coding-DNA position 562, C replaced by T.
Protein change: p.Gln188Ter; replaces glutamine 188 with a stop codon.
Molecular consequence: nonsense.
Genome position (GRCh38, 1-based): chr3:50,348,897, G>A on the plus strand (C>T on the coding strand, the complement: NPRL2 is on the minus strand). VCF-style: chr3-50348897-G-A. GRCh37 (hg19) VCF-style: chr3-50386328-G-A.
Other names: short protein forms Q188*.
Identifiers: ClinVar variation 1696508 (VCV001696508.1), dbSNP rs2109365845, ClinGen allele CA352950276.

ClinVar aggregate classification (germline): Likely pathogenic (1 of 4 stars; one submission).

Conditions:
Epilepsy, familial focal, with variable foci 2 (FFEVF2). Identifiers: MedGen C4310709, MONDO:0014924, OMIM 617116.

Allele frequency attached by ClinVar (database versions not stated): gnomAD exomes below 0.00001.
gnomAD v4.1: 1 of 1,614,062 alleles (0.000062%); highest among the groups gnomAD compares: Non-Finnish European, 0.000085%; no homozygotes.

Submission:

New York Genome Center
Classification: Likely pathogenic for Epilepsy, familial focal, with variable foci 2. Last evaluated: 2021-07-09. Review status: criteria provided, single submitter. Criteria: NYGC Assertion Criteria 2020. Collection method: clinical testing. Allele origin: germline. Observed: 1 heterozygote. Study: CSER-NYCKidSeq.
Comment: The c.562C>T (p.Gln188Ter) variant identified in the NPRL2 gene is a single nucleotide variant resulting in the premature termination of the protein at amino acid 188/381 (exon 5/11). This variant is absent from gnomAD(v3.1.1) suggesting it is not a common benign variant in the populations represented in that database. This variant is absent from ClinVar and to our current knowledge has not been reported in affected individuals in the literature, although nonsense and frameshift variants downstream of the one reported here have been identified [PMID:26505888]. Given its deleterious nature and absence in population databases,the c.562C>T (p.Gln188Ter) variant identified in the NPRL2 gene is reported as Likely Pathogenic.